The following is an entry in ClinVar:

ClinVar aggregate classification (germline): Benign (1 of 4 stars; one submission).

Allele frequency attached by ClinVar (database versions not stated): gnomAD 0.19752 and 0.19827; TOPMed 0.21407; 1000 Genomes Project 30x 0.22439; 1000 Genomes Project 0.22664.
gnomAD v4.1: 30,073 of 152,062 alleles (20%); highest among the groups gnomAD compares: African/African-American, 27%; 3,316 homozygotes.

Submission:

GeneDx
Classification: Benign. Last evaluated: 2018-06-15. Review status: criteria provided, single submitter. Criteria: GeneDx Variant Classification (06012015). Collection method: clinical testing. Allele origin: germline. Affected: yes.
Comment: This variant is considered likely benign or benign based on one or more of the following criteria: it is a conservative change, it occurs at a poorly conserved position in the protein, it is predicted to be benign by multiple in silico algorithms, and/or has population frequency not consistent with disease.

NM_020297.4(ABCC9):c.407-194A>G

Gene: ABCC9 (ATP binding cassette subfamily C member 9; minus strand). Cytogenetic location: 12p12.1.
Variant type: single nucleotide variant.
Coding change: c.407-194A>G on transcript NM_020297.4 (MANE Select); 194 bases into the intron before coding-DNA position 407, A replaced by G.
Molecular consequence: intron variant.
Genome position (GRCh38, 1-based): chr12:21,917,297, T>C on the plus strand (A>G on the coding strand, the complement: ABCC9 is on the minus strand). VCF-style: chr12-21917297-T-C. GRCh37 (hg19) VCF-style: chr12-22070231-T-C.
Other names: c.-48-4231A>G (NM_001377274.1); c.407-194A>G (NM_005691.4, NM_001377273.1).
Identifiers: ClinVar variation 672435 (VCV000672435.1), dbSNP rs4148649, ClinGen allele CA13773126.